The following is an entry in ClinVar:

NM_004370.6(COL12A1):c.8305A>G (p.Ile2769Val)

Gene: COL12A1 (collagen type XII alpha 1 chain; minus strand). Cytogenetic location: 6q13.
Variant type: single nucleotide variant.
Coding change: c.8305A>G on transcript NM_004370.6 (MANE Select); coding-DNA position 8305, A replaced by G.
Protein change: p.Ile2769Val; replaces isoleucine 2769 with valine.
Molecular consequence: missense variant.
Genome position (GRCh38, 1-based): chr6:75,103,771, T>C on the plus strand (A>G on the coding strand, the complement: COL12A1 is on the minus strand). VCF-style: chr6-75103771-T-C. GRCh37 (hg19) VCF-style: chr6-75813487-T-C.
Other names: c.4813A>G, p.Ile1605Val (NM_080645.3); short protein forms I1605V, I2769V.
Identifiers: ClinVar variation 1485620 (VCV001485620.8), dbSNP rs1476228934, ClinGen allele CA364740044.
Genomic context (GRCh38, chr6:75,103,771, plus strand): 5'-TTCAACATATAGATAAGAATTTAAATGCACTCTAAAATATACTTACAATTGCCCCACTGA[T>C]ACCTCTTTCACCTCTGGGACCTTTAGCACCAGGTCCTCCCTAAAATACATAGAGCACATA-3'
Protein context (NP_004361.3, residues 2759-2779): GAKGPRGERG[Ile2769Val]SGAIGPPGPR

ClinVar aggregate classification (germline): Uncertain significance. Review status: criteria provided, multiple submitters, no conflicts (2 of 4 stars). 2 submissions from 2 submitters: Uncertain significance (2). Last evaluated 2025-02-09.

Conditions:
Ullrich congenital muscular dystrophy 2 (UCMD2). Identifiers: Orphanet 75840, MedGen C4225314, MONDO:0014654, OMIM 616470.
Bethlem myopathy 2 (BTHLM2). Identifiers: Orphanet 536516, Orphanet 610, MedGen C4225313, MONDO:0034022, OMIM 616471.

Allele frequency attached by ClinVar (database versions not stated): TOPMed 0.00001.

Submissions (2):

Labcorp Genetics (formerly Invitae), Labcorp
Classification: Uncertain significance for Bethlem myopathy 2; Ullrich congenital muscular dystrophy 2. Last evaluated: 2025-02-09. Review status: criteria provided, single submitter. Criteria: Invitae Variant Classification Sherloc (09022015). Collection method: clinical testing. Allele origin: germline.
Comment: This sequence change replaces isoleucine, which is neutral and non-polar, with valine, which is neutral and non-polar, at codon 2769 of the COL12A1 protein (p.Ile2769Val). This variant is not present in population databases (gnomAD no frequency). This variant has not been reported in the literature in individuals affected with COL12A1-related conditions. ClinVar contains an entry for this variant (Variation ID: 1485620). Invitae Evidence Modeling of protein sequence and biophysical properties (such as structural, functional, and spatial information, amino acid conservation, physicochemical variation, residue mobility, and thermodynamic stability) indicates that this missense variant is not expected to disrupt COL12A1 protein function with a negative predictive value of 80%. In summary, the available evidence is currently insufficient to determine the role of this variant in disease. Therefore, it has been classified as a Variant of Uncertain Significance.

Revvity Omics, Revvity
Classification: Uncertain significance. Last evaluated: 2023-03-29. Review status: criteria provided, single submitter. Criteria: ACMG Guidelines, 2015. Collection method: clinical testing. Allele origin: germline.